The following is an entry in ClinVar:

NM_003119.4(SPG7):c.2266A>G (p.Lys756Glu)

Gene: SPG7 (SPG7 matrix AAA peptidase subunit, paraplegin; plus strand). Cytogenetic location: 16q24.3.
Variant type: single nucleotide variant.
Coding change: c.2266A>G on transcript NM_003119.4 (MANE Select); coding-DNA position 2266, A replaced by G.
Protein change: p.Lys756Glu; replaces lysine 756 with glutamic acid.
Molecular consequence: missense variant. On other transcripts: 3 prime UTR variant (1).
Genome position (GRCh38, 1-based): chr16:89,556,971, A>G. VCF-style: chr16-89556971-A-G. GRCh37 (hg19) VCF-style: chr16-89623379-A-G.
Other names: c.*44A>G (NM_001363850.1); short protein forms K756E.
Identifiers: ClinVar variation 5008522 (VCV005008522.1).
Genomic context (GRCh38, chr16:89,556,971, plus strand): 5'-GAAGTGATAAACTATGAGGACATTGAGGCTCTCATTGGCCCGCCGCCCCATGGGCCGAAG[A>G]AAATGATCGCACCGCAGAGGTGGATCGACGCCCAGAGGGAGAAACAGGACTTGGGCGAGG-3'
Protein context (NP_003110.1, residues 746-766): LIGPPPHGPK[Lys756Glu]MIAPQRWIDA

ClinVar aggregate classification (germline): Uncertain significance (1 of 4 stars; one submission).

Submission:

GeneDx
Classification: Uncertain significance. Last evaluated: 2026-03-07. Review status: criteria provided, single submitter. Criteria: GeneDx Variant Classification Process June 2021. Collection method: clinical testing. Allele origin: germline.
Comment: Not observed at significant frequency in large population cohorts (gnomAD); In silico analysis suggests that this missense variant does not alter protein structure/function; Has not been previously published as pathogenic or benign to our knowledge